The following is an entry in ClinVar:

NM_017813.5(BPNT2):c.*358G>A

Gene: BPNT2 (3'(2'), 5'-bisphosphate nucleotidase 2; minus strand). Cytogenetic location: 8q12.1.
Variant type: single nucleotide variant.
Coding change: c.*358G>A on transcript NM_017813.5 (MANE Select); 358 bases downstream of the stop codon, G replaced by A.
Molecular consequence: 3 prime UTR variant.
Genome position (GRCh38, 1-based): chr8:56,963,435, C>T on the plus strand (G>A on the coding strand, the complement: BPNT2 is on the minus strand). VCF-style: chr8-56963435-C-T. GRCh37 (hg19) VCF-style: chr8-57875994-C-T.
Identifiers: ClinVar variation 363397 (VCV000363397.5), dbSNP rs141905474, ClinGen allele CA10631371.

ClinVar aggregate classification (germline): Benign (1 of 4 stars; one submission).

Conditions:
Chondrodysplasia with joint dislocations, gPAPP type. Also called: GPAPP DEFICIENCY. Identifiers: Orphanet 280586, MedGen C3279757, MONDO:0013561, OMIM 614078.

Allele frequency attached by ClinVar (database versions not stated): gnomAD exomes 0.00115; gnomAD 0.00129 and 0.00133; TOPMed 0.00269; 1000 Genomes Project 0.00339; 1000 Genomes Project 30x 0.00468.
gnomAD v4.1: 249 of 189,420 alleles (0.13%); highest among the groups gnomAD compares: Admixed American, 1.1%; 2 homozygotes.

Submission:

Illumina Laboratory Services, Illumina
Classification: Benign for Chondrodysplasia with joint dislocations, gPAPP type. Last evaluated: 2018-01-12. Review status: criteria provided, single submitter. Criteria: ICSL Variant Classification Criteria 13 December 2019. Collection method: clinical testing. Allele origin: germline.
Comment: This variant was observed in the ICSL laboratory as part of a predisposition screen in an ostensibly healthy population. It had not been previously curated by ICSL or reported in the Human Gene Mutation Database (HGMD: prior to June 1st, 2018), and was therefore a candidate for classification through an automated scoring system. Utilizing variant allele frequency, disease prevalence and penetrance estimates, and inheritance mode, an automated score was calculated to assess if this variant is too frequent to cause the disease. Based on the score and internal cut-off values, a variant classified as benign is not then subjected to further curation. The score for this variant resulted in a classification of benign for this disease.